The following is an entry in ClinVar:

NM_014423.4(AFF4):c.1832C>T (p.Pro611Leu)

Gene: AFF4 (ALF transcription elongation factor 4; minus strand). Cytogenetic location: 5q31.1.
Variant type: single nucleotide variant.
Coding change: c.1832C>T on transcript NM_014423.4 (MANE Select); coding-DNA position 1832, C replaced by T.
Protein change: p.Pro611Leu; replaces proline 611 with leucine.
Molecular consequence: missense variant.
Genome position (GRCh38, 1-based): chr5:132,896,798, G>A on the plus strand (C>T on the coding strand, the complement: AFF4 is on the minus strand). VCF-style: chr5-132896798-G-A. GRCh37 (hg19) VCF-style: chr5-132232490-G-A.
Other names: short protein forms P611L.
Identifiers: ClinVar variation 2630384 (VCV002630384.1), dbSNP rs748149682, ClinGen allele CA3409035.

ClinVar aggregate classification (germline): Uncertain significance (1 of 4 stars; one submission).

Conditions:
AFF4-related disorder. Also called: AFF4-related condition.

Allele frequency attached by ClinVar (database versions not stated): ExAC 0.00001; gnomAD exomes 0.00001.
gnomAD v4.1: 5 of 1,614,082 alleles (0.00031%); highest among the groups gnomAD compares: Non-Finnish European, 0.00034%; no homozygotes.

Submission:

PreventionGenetics, part of Exact Sciences
Classification: Uncertain significance for AFF4-related condition. Last evaluated: 2023-02-07. Review status: criteria provided, single submitter. Criteria: ACMG Guidelines, 2015. Collection method: clinical testing. Allele origin: germline.
Comment: The AFF4 c.1832C>T variant is predicted to result in the amino acid substitution p.Pro611Leu. To our knowledge, this variant has not been reported in the literature. This variant is reported in 0.00089% of alleles in individuals of European (Non-Finnish) descent in gnomAD. At this time, the clinical significance of this variant is uncertain due to the absence of conclusive functional and genetic evidence.